The following is an entry in ClinVar:

NM_000102.4(CYP17A1):c.1139+19T>G

Gene: CYP17A1 (cytochrome P450 family 17 subfamily A member 1; minus strand). Cytogenetic location: 10q24.32.
Variant type: single nucleotide variant.
Coding change: c.1139+19T>G on transcript NM_000102.4 (MANE Select); 19 bases into the intron after coding-DNA position 1139, T replaced by G.
Molecular consequence: intron variant.
Genome position (GRCh38, 1-based): chr10:102,832,492, A>C on the plus strand (T>G on the coding strand, the complement: CYP17A1 is on the minus strand). VCF-style: chr10-102832492-A-C. GRCh37 (hg19) VCF-style: chr10-104592249-A-C.
Identifiers: ClinVar variation 137063 (VCV000137063.15), dbSNP rs4919686, ClinGen allele CA290559.

ClinVar aggregate classification (germline): Benign/Likely benign. Review status: criteria provided, multiple submitters, no conflicts (2 of 4 stars). 6 submissions from 6 submitters: Benign (3); Likely benign (3). Last evaluated 2026-02-04.

Conditions:
Deficiency of steroid 17-alpha-monooxygenase. Also called: 17-alpha-hydroxylase/17,20-lyase deficiency; ADRENAL HYPERPLASIA V; 17-ALPHA-HYDROXYLASE DEFICIENCY; Congenital adrenal hyperplasia due to 17-alpha-hydroxylase deficiency; Congenital adrenal hyperplasia type 5. Identifiers: Orphanet 90793, MedGen C0268285, MONDO:0008730, OMIM 202110.

Allele frequency attached by ClinVar (database versions not stated): 1000 Genomes Project 0.13878; 1000 Genomes Project 30x 0.13882; TOPMed 0.20291; gnomAD 0.21209 and 0.21485; ESP Exome Variant Server 0.22044; ExAC 0.22378; gnomAD exomes 0.22565.
gnomAD v4.1: 395,228 of 1,550,476 alleles (25%); highest among the groups gnomAD compares: Non-Finnish European, 29%; 55,070 homozygotes.

Submissions (6):

Labcorp Genetics (formerly Invitae), Labcorp
Classification: Benign. Last evaluated: 2026-02-04. Review status: criteria provided, single submitter. Criteria: Invitae Variant Classification Sherloc (09022015). Collection method: clinical testing. Allele origin: germline.

Blueprint Genetics
Classification: Likely benign. Last evaluated: 2024-11-27. Review status: criteria provided, single submitter. Criteria: ACMG Guidelines, 2015. Collection method: clinical testing. Allele origin: germline.

Genome-Nilou Lab
Classification: Likely benign for Deficiency of steroid 17-alpha-monooxygenase. Last evaluated: 2021-07-01. Review status: criteria provided, single submitter. Criteria: ACMG Guidelines, 2015. Collection method: clinical testing. Allele origin: germline. Affected: no.

Athena Diagnostics
Classification: Benign. Last evaluated: 2017-11-02. Review status: criteria provided, single submitter. Criteria: Athena Diagnostics Criteria. Collection method: clinical testing. Allele origin: germline.

GeneDx
Classification: Benign. Last evaluated: 2014-02-10. Review status: criteria provided, single submitter. Criteria: GeneDx Variant Classification (06012015). Collection method: clinical testing. Allele origin: germline. Affected: yes.
Comment: This variant is considered likely benign or benign based on one or more of the following criteria: it is a conservative change, it occurs at a poorly conserved position in the protein, it is predicted to be benign by multiple in silico algorithms, and/or has population frequency not consistent with disease.

Breakthrough Genomics
Classification: Likely benign. Review status: criteria provided, single submitter. Criteria: ACMG Guidelines, 2015. Collection method: not provided. Allele origin: germline. Inheritance: Autosomal recessive inheritance. Affected: yes.